The following is an entry in ClinVar:

ClinVar aggregate classification (germline): Uncertain significance (1 of 4 stars; one submission).

Conditions:
Creatine transporter deficiency (CCDS1). Also called: CEREBRAL CREATINE DEFICIENCY SYNDROME 1; Creatine Transporter (CRTR) Deficiency; Mental retardation , X-linked with seizures, short stature and midface hypoplasia; Mental retardation , X-linked, with creatine transport deficiency; X-linked creatine transporter deficiency; X-linked creatine deficiency syndrome. Identifiers: Orphanet 52503, MedGen C1845862, MONDO:0010305, OMIM 300352.

Submission:

Labcorp Genetics (formerly Invitae), Labcorp
Classification: Uncertain significance for Creatine transporter deficiency. Last evaluated: 2025-12-13. Review status: criteria provided, single submitter. Criteria: Invitae Variant Classification Sherloc (09022015). Collection method: clinical testing. Allele origin: germline.
Comment: This sequence change replaces isoleucine, which is neutral and non-polar, with valine, which is neutral and non-polar, at codon 426 of the SLC6A8 protein (p.Ile426Val). This variant is not present in population databases (gnomAD no frequency). This variant has not been reported in the literature in individuals affected with SLC6A8-related conditions. Invitae Evidence Modeling of protein sequence and biophysical properties (such as structural, functional, and spatial information, amino acid conservation, physicochemical variation, residue mobility, and thermodynamic stability) indicates that this missense variant is not expected to disrupt SLC6A8 protein function with a negative predictive value of 95%. In summary, the available evidence is currently insufficient to determine the role of this variant in disease. Therefore, it has been classified as a Variant of Uncertain Significance.

NM_005629.4(SLC6A8):c.1276A>G (p.Ile426Val)

Gene: SLC6A8 (solute carrier family 6 member 8; plus strand). Cytogenetic location: Xq28.
Variant type: single nucleotide variant.
Coding change: c.1276A>G on transcript NM_005629.4 (MANE Select); coding-DNA position 1276, A replaced by G.
Protein change: p.Ile426Val; replaces isoleucine 426 with valine.
Molecular consequence: missense variant.
Genome position (GRCh38, 1-based): chrX:153,694,151, A>G. VCF-style: chrX-153694151-A-G. GRCh37 (hg19) VCF-style: chrX-152959606-A-G.
Other names: c.1246A>G, p.Ile416Val (NM_001142805.2); c.931A>G, p.Ile311Val (NM_001142806.1); short protein forms I426V, I311V, I416V.
Identifiers: ClinVar variation 4697415 (VCV004697415.1).